The following is an entry in ClinVar:

ClinVar aggregate classification (germline): Uncertain significance (1 of 4 stars; one submission).

Submission:

GeneDx
Classification: Uncertain significance. Last evaluated: 2025-01-14. Review status: criteria provided, single submitter. Criteria: GeneDx Variant Classification Process June 2021. Collection method: clinical testing. Allele origin: germline. Affected: yes.
Comment: Not observed at significant frequency in large population cohorts (gnomAD); In silico analysis indicates that this missense variant does not alter protein structure/function; Has not been previously published as pathogenic or benign to our knowledge

NM_016148.5(SHANK1):c.5303T>C (p.Leu1768Pro)

Gene: SHANK1 (SH3 and multiple ankyrin repeat domains 1; minus strand). Cytogenetic location: 19q13.33.
Variant type: single nucleotide variant.
Coding change: c.5303T>C on transcript NM_016148.5 (MANE Select); coding-DNA position 5303, T replaced by C.
Protein change: p.Leu1768Pro; replaces leucine 1768 with proline.
Molecular consequence: missense variant.
Genome position (GRCh38, 1-based): chr19:50,666,657, A>G on the plus strand (T>C on the coding strand, the complement: SHANK1 is on the minus strand). VCF-style: chr19-50666657-A-G. GRCh37 (hg19) VCF-style: chr19-51169914-A-G.
Other names: short protein forms L1768P.
Identifiers: ClinVar variation 4057140 (VCV004057140.1).